The following is an entry in ClinVar:

ClinVar aggregate classification (germline): Benign. Review status: criteria provided, multiple submitters, no conflicts (2 of 4 stars). 2 submissions from 2 submitters: Benign (2). Last evaluated 2018-06-14.

Allele frequency attached by ClinVar (database versions not stated): 1000 Genomes Project 30x 0.01280; TOPMed 0.03078; gnomAD exomes 0.04777; gnomAD 0.03935 and 0.04088; 1000 Genomes Project 0.01338.
gnomAD v4.1: 31,085 of 682,988 alleles (4.6%); highest among the groups gnomAD compares: Non-Finnish European, 6%; 1,038 homozygotes.

Submissions (2):

GeneDx
Classification: Benign. Last evaluated: 2018-06-14. Review status: criteria provided, single submitter. Criteria: GeneDx Variant Classification (06012015). Collection method: clinical testing. Allele origin: germline. Affected: yes.
Comment: This variant is considered likely benign or benign based on one or more of the following criteria: it is a conservative change, it occurs at a poorly conserved position in the protein, it is predicted to be benign by multiple in silico algorithms, and/or has population frequency not consistent with disease.

Breakthrough Genomics
Classification: Benign. Review status: criteria provided, single submitter. Criteria: ACMG Guidelines, 2015. Collection method: not provided. Allele origin: germline. Inheritance: Autosomal recessive inheritance. Affected: yes.

NM_182476.3(COQ6):c.892-202C>T

Genes: COQ6 (coenzyme Q6, monooxygenase; plus strand), ENTPD5 (ectonucleoside triphosphate diphosphohydrolase 5; minus strand). Cytogenetic location: 14q24.3.
Variant type: single nucleotide variant.
Coding change: c.892-202C>T on transcript NM_182476.3 (MANE Select); 202 bases into the intron before coding-DNA position 892, C replaced by T.
Molecular consequence: intron variant.
Genome position (GRCh38, 1-based): chr14:73,960,971, C>T. VCF-style: chr14-73960971-C-T. GRCh37 (hg19) VCF-style: chr14-74427674-C-T.
Other names: c.709-202C>T (NM_001425258.1); c.667-202C>T (NM_001425259.1, NM_001425261.1, NM_001425260.1); c.817-202C>T (NM_182480.3); c.565-202C>T (NM_001425263.1); c.892-202C>T (NM_001425255.1); c.784-202C>T (NM_001425256.1); c.352-202C>T (NM_001425265.1, NM_001425264.1); c.637-202C>T (NM_001425262.1); and 4 more.
Identifiers: ClinVar variation 672813 (VCV000672813.4), dbSNP rs79246780, ClinGen allele CA15802501.
Genomic context (GRCh38, chr14:73,960,971, plus strand): 5'-ATTGAGGGTGGGGACTAGTGAAAGGTGAAGCTCAGAAGTAGGCAGGGGCCAGCTCATGTA[C>T]AGTTTGGCTAGATCTTAAAACCTCTGGGGAGTGATGAGAAGTTGCTTTGCACTTGAGGGG-3'